The following is an entry in ClinVar:

ClinVar aggregate classification (germline): Likely benign. Review status: criteria provided, multiple submitters, no conflicts (2 of 4 stars). 2 submissions from 2 submitters: Likely benign (2). Last evaluated 2025-08-26.

Allele frequency attached by ClinVar (database versions not stated): ExAC 0.00002; gnomAD 0.00002; gnomAD exomes 0.00003; TOPMed 0.00003; 1000 Genomes Project 30x 0.00016; 1000 Genomes Project 0.00020.
gnomAD v4.1: 49 of 1,614,134 alleles (0.003%); highest among the groups gnomAD compares: African/African-American, 0.008%; no homozygotes.

Submissions (2):

Labcorp Genetics (formerly Invitae), Labcorp
Classification: Likely benign. Last evaluated: 2025-08-26. Review status: criteria provided, single submitter. Criteria: Invitae Variant Classification Sherloc (09022015). Collection method: clinical testing. Allele origin: germline.

CeGaT Center for Human Genetics Tuebingen
Classification: Likely benign. Last evaluated: 2024-11-01. Review status: criteria provided, single submitter. Criteria: CeGaT Center For Human Genetics Tuebingen Variant Classification Criteria Version 2. Collection method: clinical testing. Allele origin: germline. Affected: yes. Observed: 1 variant allele.
Comment: KAT6A: BP4

NM_006766.5(KAT6A):c.3562G>A (p.Val1188Ile)

Gene: KAT6A (lysine acetyltransferase 6A; minus strand). Cytogenetic location: 8p11.21.
Variant type: single nucleotide variant.
Coding change: c.3562G>A on transcript NM_006766.5 (MANE Select); coding-DNA position 3562, G replaced by A.
Protein change: p.Val1188Ile; replaces valine 1188 with isoleucine.
Molecular consequence: missense variant.
Genome position (GRCh38, 1-based): chr8:41,934,658, C>T on the plus strand (G>A on the coding strand, the complement: KAT6A is on the minus strand). VCF-style: chr8-41934658-C-T. GRCh37 (hg19) VCF-style: chr8-41792176-C-T.
Other names: short protein forms V1188I.
Identifiers: ClinVar variation 2177198 (VCV002177198.18), dbSNP rs143887499, ClinGen allele CA4729656.